The following is an entry in ClinVar:

NM_033380.3(COL4A5):c.2330G>T (p.Arg777Leu)

Gene: COL4A5 (collagen type IV alpha 5 chain; plus strand). Cytogenetic location: Xq22.3.
Variant type: single nucleotide variant.
Coding change: c.2330G>T on transcript NM_033380.3 (MANE Select); coding-DNA position 2330, G replaced by T.
Protein change: p.Arg777Leu; replaces arginine 777 with leucine.
Molecular consequence: missense variant.
Genome position (GRCh38, 1-based): chrX:108,606,827, G>T. VCF-style: chrX-108606827-G-T. GRCh37 (hg19) VCF-style: chrX-107850057-G-T.
Other names: NC_000023.10:g.107850057G>T; c.2330G>T, p.Arg777Leu (NM_000495.5); short protein forms R777L.
Identifiers: ClinVar variation 3571641 (VCV003571641.2).

ClinVar aggregate classification (germline): Uncertain significance (1 of 4 stars; one submission).

Submissions (3):

Athena Diagnostics
Classification: Uncertain significance. Last evaluated: 2024-02-09. Review status: criteria provided, single submitter. Criteria: Athena Diagnostics Criteria. Collection method: clinical testing. Allele origin: unknown.
Comment: Available data are insufficient to determine the clinical significance of the variant at this time. This variant has not been reported in large, multi-ethnic general populations. Computational tools predict that this variant is not damaging.

Dr. Peter K. Rogan Lab, Western University
No classification provided (evidence only). Condition: Thyroid cancer, nonmedullary, 1. Review status: no classification provided. Collection method: in vitro. Allele origin: not applicable. Functional consequence: retained intron. Not counted in ClinVar's aggregate classification.

Dr. Peter K. Rogan Lab, Western University
No classification provided (evidence only). Condition: Nonpapillary renal cell carcinoma. Review status: no classification provided. Collection method: in vitro. Allele origin: not applicable. Functional consequence: retained intron. Not counted in ClinVar's aggregate classification.